The following is an entry in ClinVar:

ClinVar aggregate classification (germline): Uncertain significance. Review status: criteria provided, multiple submitters, no conflicts (2 of 4 stars). 2 submissions from 2 submitters: Uncertain significance (2). Last evaluated 2025-06-04.

gnomAD v4.1: 2 of 1,612,610 alleles (0.00012%); highest among the groups gnomAD compares: African/African-American, 0.0013%; no homozygotes.

Submissions (2):

Women's Health and Genetics/Laboratory Corporation of America, LabCorp
Classification: Uncertain significance. Last evaluated: 2025-06-04. Review status: criteria provided, single submitter. Criteria: LabCorp Variant Classification Summary - May 2015. Collection method: clinical testing. Allele origin: germline.
Comment: Variant summary: GUCY2D c.2546C>T (p.Thr849Ile) results in a non-conservative amino acid change in the encoded protein sequence. Algorithms developed to predict the effect of missense changes on protein structure and function all suggest that this variant is likely to be disruptive. The variant was absent in 251306 control chromosomes. The available data on variant occurrences in the general population are insufficient to allow any conclusion about variant significance. To our knowledge, no occurrence of c.2546C>T in individuals affected with Leber Congenital Amaurosis and no experimental evidence demonstrating its impact on protein function have been reported. No submitters have cited clinical-significance assessments for this variant to ClinVar. Based on the evidence outlined above, the variant was classified as uncertain significance.

Blueprint Genetics
Classification: Uncertain significance. Last evaluated: 2021-11-30. Review status: criteria provided, single submitter. Criteria: ACMG Guidelines, 2015. Collection method: clinical testing. Allele origin: germline.

NM_000180.4(GUCY2D):c.2546C>T (p.Thr849Ile)

Gene: GUCY2D (guanylate cyclase 2D, retinal; plus strand). Cytogenetic location: 17p13.1.
Variant type: single nucleotide variant.
Coding change: c.2546C>T on transcript NM_000180.4 (MANE Select); coding-DNA position 2546, C replaced by T.
Protein change: p.Thr849Ile; replaces threonine 849 with isoleucine.
Molecular consequence: missense variant.
Genome position (GRCh38, 1-based): chr17:8,014,734, C>T. VCF-style: chr17-8014734-C-T. GRCh37 (hg19) VCF-style: chr17-7918052-C-T.
Other names: short protein forms T849I.
Identifiers: ClinVar variation 3907408 (VCV003907408.2).
Genomic context (GRCh38, chr17:8,014,734, plus strand): 5'-GTAACCTGGAGGATCTGATCCGGGAGCGCACGGAGGAGCTGGAGCTGGAAAAGCAGAAGA[C>T]AGACCGGCTGCTTACACAGATGCTGCCTCCGTGGGTGCCAGTGGGAAGGGGTGGGCTGGG-3'
Protein context (NP_000171.1, residues 839-859): TEELELEKQK[Thr849Ile]DRLLTQMLPP